The following is an entry in ClinVar:

NM_007294.4(BRCA1):c.135-3390G>A

Gene: BRCA1 (BRCA1 DNA repair associated; minus strand). Cytogenetic location: 17q21.31.
Variant type: single nucleotide variant.
Coding change: c.135-3390G>A on transcript NM_007294.4 (MANE Select); 3390 bases into the intron before coding-DNA position 135, G replaced by A.
Molecular consequence: intron variant.
Genome position (GRCh38, 1-based): chr17:43,109,923, C>T on the plus strand (G>A on the coding strand, the complement: BRCA1 is on the minus strand). VCF-style: chr17-43109923-C-T. GRCh37 (hg19) VCF-style: chr17-41261940-C-T.
Other names: c.-7-3390G>A (NM_001407740.1, NM_001408499.1, NM_001407933.1 and 81 more transcripts); c.135-3390G>A (NM_001408422.1, NM_001408450.1, NM_001408434.1 and 167 more transcripts); c.-8+542G>A (NM_001407727.1, NM_001407724.1, NM_001407746.1 and 14 more transcripts); c.-54-3390G>A (NM_001407896.1, NM_001407952.1, NM_001407571.1 and 55 more transcripts); c.-55+542G>A (NM_001407900.1, NM_001408492.1); c.135-4967G>A (NM_001407874.1, NM_001408416.1, NM_001408414.1 and 21 more transcripts); c.-218-15063G>A (NM_001407967.1, NM_001407966.1); c.-169-4967G>A (NM_001407959.1, NM_001407962.1, NM_001408512.1 and 3 more transcripts); and 4 more.
Identifiers: ClinVar variation 264804 (VCV000264804.2), dbSNP rs187354131, ClinGen allele CA10588244.

ClinVar aggregate classification (germline): Benign (3 of 4 stars; one submission).

Conditions:
Breast-ovarian cancer, familial, susceptibility to, 1 (BROVCA1). Also called: BRCA1 Hereditary Breast and Ovarian Cancer; OVARIAN CANCER, SUSCEPTIBILITY TO. Identifiers: Orphanet 145, MedGen C2676676, MONDO:0011450, OMIM 604370. Disease mechanism: loss of function.

Allele frequency attached by ClinVar (database versions not stated): gnomAD 0.00408 and 0.00491; TOPMed 0.00428; 1000 Genomes Project 30x 0.00765; 1000 Genomes Project 0.00839.
gnomAD v4.1: 731 of 149,914 alleles (0.49%); highest among the groups gnomAD compares: South Asian, 2.8%; 3 homozygotes.

Submission:

Evidence-based Network for the Interpretation of Germline Mutant Alleles (ENIGMA)
Classification: Benign for Breast-ovarian cancer, familial, susceptibility to, 1. Last evaluated: 2016-09-28. Review status: reviewed by expert panel. Criteria: ENIGMA BRCA1/2 Classification Criteria (2015). Collection method: curation. Allele origin: germline.
Comment: Class 1 not pathogenic based on frequency >1% in an outbred sampleset. Frequency 0.0317 (South Asian), derived from 1000 genomes (2013-05-02).